The following is an entry in ClinVar:

ClinVar aggregate classification (germline): Uncertain significance (1 of 4 stars; one submission).

Allele frequency attached by ClinVar (database versions not stated): TOPMed below 0.00001; ExAC 0.00007; gnomAD 0.00002.

Submission:

GeneDx
Classification: Uncertain significance. Last evaluated: 2019-10-17. Review status: criteria provided, single submitter. Criteria: GeneDx Variant Classification Process June 2021. Collection method: clinical testing. Allele origin: germline. Affected: yes.
Comment: Not observed at a significant frequency in large population cohorts (Lek et al., 2016); In silico analysis, which includes protein predictors and evolutionary conservation, supports that this variant does not alter protein structure/function; Has not been previously published as pathogenic or benign to our knowledge

NM_006612.6(KIF1C):c.2585G>A (p.Arg862Gln)

Gene: KIF1C (kinesin family member 1C; plus strand). Cytogenetic location: 17p13.2.
Variant type: single nucleotide variant.
Coding change: c.2585G>A on transcript NM_006612.6 (MANE Select); coding-DNA position 2585, G replaced by A.
Protein change: p.Arg862Gln; replaces arginine 862 with glutamine.
Molecular consequence: missense variant.
Genome position (GRCh38, 1-based): chr17:5,022,666, G>A. VCF-style: chr17-5022666-G-A. GRCh37 (hg19) VCF-style: chr17-4925961-G-A.
Other names: short protein forms R862Q.
Identifiers: ClinVar variation 1303404 (VCV001303404.2), dbSNP rs749907095, ClinGen allele CA8319327.
Genomic context (GRCh38, chr17:5,022,666, plus strand): 5'-GGATTCTGCAGGAGGTGAAGCTGCAGAACAGCAGCAAGGACCGGGAGCTGCAGGCCCTGC[G>A]GGACCGCATGCTCCGCATGGAGAGGGTCATCCCCCTGGCCCAGGTAGGACTGGCCTTCTG-3'
Protein context (NP_006603.2, residues 852-872): SSKDRELQAL[Arg862Gln]DRMLRMERVI